The following is an entry in ClinVar:

NM_004082.5(DCTN1):c.1526C>T (p.Thr509Met)

Gene: DCTN1 (dynactin subunit 1; minus strand). Cytogenetic location: 2p13.1.
Variant type: single nucleotide variant.
Coding change: c.1526C>T on transcript NM_004082.5 (MANE Select); coding-DNA position 1526, C replaced by T.
Protein change: p.Thr509Met; replaces threonine 509 with methionine.
Molecular consequence: missense variant. On other transcripts: non-coding transcript variant (1).
Genome position (GRCh38, 1-based): chr2:74,369,358, G>A on the plus strand (C>T on the coding strand, the complement: DCTN1 is on the minus strand). VCF-style: chr2-74369358-G-A. GRCh37 (hg19) VCF-style: chr2-74596485-G-A.
Other names: c.1466C>T, p.Thr489Met (NM_001135040.3); c.1124C>T, p.Thr375Met (NM_001135041.3, NM_023019.4); c.1415C>T, p.Thr472Met (NM_001190836.2); c.1505C>T, p.Thr502Met (NM_001190837.2); c.1475C>T, p.Thr492Met (NM_001378991.1); c.1457C>T, p.Thr486Met (NM_001378992.1); short protein forms T489M, T509M, T375M, T472M, T502M, T486M, T492M.
Identifiers: ClinVar variation 660668 (VCV000660668.12), dbSNP rs967117932, ClinGen allele CA50476410.

ClinVar aggregate classification (germline): Uncertain significance. Review status: criteria provided, multiple submitters, no conflicts (2 of 4 stars). 3 submissions from 3 submitters: Uncertain significance (2). 1 of the submissions does not count toward it. Last evaluated 2025-12-15.

Conditions:
Amyotrophic lateral sclerosis type 1 (ALS1). Also called: AMYOTROPHIC LATERAL SCLEROSIS 1, FAMILIAL. Identifiers: Orphanet 803, MedGen C1862939, MONDO:0007103, OMIM 105400.
Perry syndrome. Also called: PARKINSONISM WITH ALVEOLAR HYPOVENTILATION AND MENTAL DEPRESSION. Identifiers: Orphanet 178509, MedGen C1868594, MONDO:0008201, OMIM 168605.
Neuronopathy, distal hereditary motor, type 7B. Also called: NEURONOPATHY, DISTAL HEREDITARY MOTOR, AUTOSOMAL DOMINANT 14; NEURONOPATHY, DISTAL HEREDITARY MOTOR, HARDING TYPE VIIB; NEUROPATHY, DISTAL HEREDITARY MOTOR, HARDING TYPE VIIB; NEUROPATHY, DISTAL HEREDITARY MOTOR, WITH VOCAL CORD PARALYSIS, HARDING TYPE VIIB; HMN VIIB; LOWER MOTOR NEURON DISEASE, DYNACTIN TYPE. Identifiers: Orphanet 139589, MedGen C1843315, MONDO:0011879, OMIM 607641.
DCTN1-related disorder. Also called: DCTN1-related condition.
Inborn genetic diseases. Identifiers: MedGen C0950123, MeSH D030342.

Allele frequency attached by ClinVar (database versions not stated): gnomAD 0.00001; gnomAD exomes 0.00002 and 0.00006; TOPMed 0.00002.
gnomAD v4.1: 87 of 1,614,070 alleles (0.0054%); highest among the groups gnomAD compares: Non-Finnish European, 0.0073%; no homozygotes.

Submissions (3):

Labcorp Genetics (formerly Invitae), Labcorp
Classification: Uncertain significance for Amyotrophic lateral sclerosis type 1; Neuronopathy, distal hereditary motor, type 7B; Perry syndrome. Last evaluated: 2025-12-15. Review status: criteria provided, single submitter. Criteria: Invitae Variant Classification Sherloc (09022015). Collection method: clinical testing. Allele origin: germline.
Comment: This sequence change replaces threonine, which is neutral and polar, with methionine, which is neutral and non-polar, at codon 509 of the DCTN1 protein (p.Thr509Met). This variant is present in population databases (no rsID available, gnomAD 0.005%). This variant has not been reported in the literature in individuals affected with DCTN1-related conditions. ClinVar contains an entry for this variant (Variation ID: 660668). Invitae Evidence Modeling of protein sequence and biophysical properties (such as structural, functional, and spatial information, amino acid conservation, physicochemical variation, residue mobility, and thermodynamic stability) indicates that this missense variant is not expected to disrupt DCTN1 protein function with a negative predictive value of 95%. In summary, the available evidence is currently insufficient to determine the role of this variant in disease. Therefore, it has been classified as a Variant of Uncertain Significance.

Ambry Genetics
Classification: Uncertain significance for Inborn genetic diseases. Last evaluated: 2020-12-11. Review status: criteria provided, single submitter. Criteria: Ambry Variant Classification Scheme 2023. Collection method: clinical testing. Allele origin: germline.
Comment: The p.T509M variant (also known as c.1526C>T), located in coding exon 14 of the DCTN1 gene, results from a C to T substitution at nucleotide position 1526. The threonine at codon 509 is replaced by methionine, an amino acid with similar properties. This amino acid position is highly conserved in available vertebrate species. In addition, the in silico prediction for this alteration is inconclusive. Since supporting evidence is limited at this time, the clinical significance of this alteration remains unclear.

PreventionGenetics, part of Exact Sciences
Classification: Uncertain significance for DCTN1-related condition. Last evaluated: 2024-03-12. Review status: no assertion criteria provided. Collection method: clinical testing. Allele origin: germline. Not counted in ClinVar's aggregate classification.
Comment: The DCTN1 c.1526C>T variant is predicted to result in the amino acid substitution p.Thr509Met. To our knowledge, this variant has not been reported in the literature. This variant is reported in 0.0054% of alleles in individuals of European (Non-Finnish) descent in gnomAD. At this time, the clinical significance of this variant is uncertain due to the absence of conclusive functional and genetic evidence.